The following is an entry in ClinVar:

ClinVar aggregate classification (germline): Likely benign (1 of 4 stars; one submission).

Allele frequency attached by ClinVar (database versions not stated): ExAC 0.00001; gnomAD 0.00002; TOPMed 0.00002.
gnomAD v4.1: 15 of 1,207,409 alleles (0.0012%); highest among the groups gnomAD compares: Middle Eastern, 0.023%; no homozygotes.

Submission:

CeGaT Center for Human Genetics Tuebingen
Classification: Likely benign. Last evaluated: 2024-01-01. Review status: criteria provided, single submitter. Criteria: CeGaT Center For Human Genetics Tuebingen Variant Classification Criteria Version 2. Collection method: clinical testing. Allele origin: germline. Affected: yes. Observed: 1 variant allele.
Comment: KDM5C: BP4, BP7

NM_004187.5(KDM5C):c.4518C>G (p.Gly1506=)

Gene: KDM5C (lysine demethylase 5C; minus strand). Cytogenetic location: Xp11.22.
Variant type: single nucleotide variant.
Coding change: c.4518C>G on transcript NM_004187.5 (MANE Select); coding-DNA position 4518, C replaced by G.
Protein change: p.Gly1506=; no amino-acid change (glycine 1506 retained).
Molecular consequence: synonymous variant. On other transcripts: intron variant (5).
Genome position (GRCh38, 1-based): chrX:53,193,132, G>C on the plus strand (C>G on the coding strand, the complement: KDM5C is on the minus strand). VCF-style: chrX-53193132-G-C. GRCh37 (hg19) VCF-style: chrX-53222314-G-C.
Other names: c.4515C>G, p.Gly1505= (NM_001282622.3); c.4509C>G, p.Gly1503= (NM_001353978.3); c.4305+305C>G (NM_001353982.2); c.4314+305C>G (NM_001353979.2); c.4308+305C>G (NM_001353981.2, NM_001353984.2); c.4047-295C>G (NM_001146702.2).
Identifiers: ClinVar variation 3025711 (VCV003025711.22), dbSNP rs782119238, ClinGen allele CA10419079.